The following is an entry in ClinVar:

NM_004168.4(SDHA):c.112G>C (p.Asp38His)

Gene: SDHA (succinate dehydrogenase complex flavoprotein subunit A; plus strand). Cytogenetic location: 5p15.33.
Variant type: single nucleotide variant.
Coding change: c.112G>C on transcript NM_004168.4 (MANE Select); coding-DNA position 112, G replaced by C.
Protein change: p.Asp38His; replaces aspartic acid 38 with histidine.
Molecular consequence: missense variant.
Genome position (GRCh38, 1-based): chr5:223,530, G>C. VCF-style: chr5-223530-G-C. GRCh37 (hg19) VCF-style: chr5-223645-G-C.
Other names: c.112G>C, p.Asp38His (NM_001294332.2, NM_001330758.2); c.112G>C (NM_004168.2); short protein forms D38H.
Identifiers: ClinVar variation 539629 (VCV000539629.12), dbSNP rs1553997174, ClinGen allele CA359008177.

ClinVar aggregate classification (germline): Uncertain significance. Review status: criteria provided, multiple submitters, no conflicts (2 of 4 stars). 2 submissions from 2 submitters: Uncertain significance (2). Last evaluated 2025-11-17.

Conditions:
Mitochondrial complex II deficiency, nuclear type 1. Also called: SUCCINATE CoQ REDUCTASE DEFICIENCY. Identifiers: Orphanet 3208, MedGen C5700310, MONDO:0100294, OMIM 252011.
Pheochromocytoma/paraganglioma syndrome 5. Also called: Paragangliomas 5; SDHA-Related Hereditary Paraganglioma-Pheochromocytoma Syndrome. Identifiers: Orphanet 29072, MedGen C3279992, MONDO:0013602, OMIM 614165.
Hereditary cancer-predisposing syndrome. Also called: Neoplastic Syndromes, Hereditary; Tumor predisposition; Hereditary neoplastic syndrome; Hereditary Cancer Syndrome. Identifiers: Orphanet 140162, MedGen C0027672, MeSH D009386, MONDO:0015356.

gnomAD v4.1: 1 of 1,613,852 alleles (0.000062%); highest among the groups gnomAD compares: Non-Finnish European, 0.000085%; no homozygotes.

Submissions (2):

Ambry Genetics
Classification: Uncertain significance for Hereditary cancer-predisposing syndrome. Last evaluated: 2025-11-17. Review status: criteria provided, single submitter. Criteria: Ambry Variant Classification Scheme 2023. Collection method: clinical testing. Allele origin: germline.
Comment: The p.D38H variant (also known as c.112G>C), located in coding exon 2 of the SDHA gene, results from a G to C substitution at nucleotide position 112. The aspartic acid at codon 38 is replaced by histidine, an amino acid with similar properties. This amino acid position is conserved. In addition, this alteration is predicted to be tolerated by in silico analysis. Based on the available evidence, the clinical significance of this variant remains unclear.

Labcorp Genetics (formerly Invitae), Labcorp
Classification: Uncertain significance for Pheochromocytoma/paraganglioma syndrome 5; Mitochondrial complex II deficiency, nuclear type 1. Last evaluated: 2023-04-24. Review status: criteria provided, single submitter. Criteria: Invitae Variant Classification Sherloc (09022015). Collection method: clinical testing. Allele origin: germline.
Comment: This variant is not present in population databases (gnomAD no frequency). This sequence change replaces aspartic acid, which is acidic and polar, with histidine, which is basic and polar, at codon 38 of the SDHA protein (p.Asp38His). This variant has not been reported in the literature in individuals affected with SDHA-related conditions. ClinVar contains an entry for this variant (Variation ID: 539629). Advanced modeling of protein sequence and biophysical properties (such as structural, functional, and spatial information, amino acid conservation, physicochemical variation, residue mobility, and thermodynamic stability) performed at Invitae indicates that this missense variant is not expected to disrupt SDHA protein function. In summary, the available evidence is currently insufficient to determine the role of this variant in disease. Therefore, it has been classified as a Variant of Uncertain Significance.